The following is an entry in ClinVar:

ClinVar aggregate classification (germline): Conflicting classifications of pathogenicity. Review status: criteria provided, conflicting classifications (1 of 4 stars). 2 submissions from 2 submitters: Uncertain significance (1); Likely benign (1). Last evaluated 2025-12-02.

Conditions:
Frasier syndrome. Identifiers: Orphanet 347, MedGen C0950122, MeSH D052159, MONDO:0007635, OMIM 136680.
Wilms tumor 1 (WT1). Also called: Wilms tumor, somatic. Identifiers: Orphanet 654, MedGen CN033288, MONDO:0008679, OMIM 194070.
11p partial monosomy syndrome (WAGR). Also called: WAGR Complex; CHROMOSOME 11p13 DELETION SYNDROME; WAGR syndrome; WAGR Spectrum Disorder. Identifiers: Orphanet 893, MedGen C0206115, MONDO:0008681, OMIM 194072.
Drash syndrome (DDS). Also called: NEPHROPATHY, WILMS TUMOR, AND GENITAL ANOMALIES; WILMS TUMOR AND PSEUDO- OR TRUE HERMAPHRODITISM. Identifiers: Orphanet 220, MedGen C0950121, MONDO:0008682, OMIM 194080.
Inborn genetic diseases. Identifiers: MedGen C0950123, MeSH D030342.

Allele frequency attached by ClinVar (database versions not stated): TOPMed below 0.00001.

Submissions (2):

Labcorp Genetics (formerly Invitae), Labcorp
Classification: Uncertain significance for Wilms tumor 1; Drash syndrome; 11p partial monosomy syndrome; Frasier syndrome. Last evaluated: 2025-12-02. Review status: criteria provided, single submitter. Criteria: Invitae Variant Classification Sherloc (09022015). Collection method: clinical testing. Allele origin: germline.
Comment: This sequence change replaces glycine, which is neutral and non-polar, with arginine, which is basic and polar, at codon 21 of the WT1 protein (p.Gly21Arg). This variant is not present in population databases (gnomAD no frequency). This variant has not been reported in the literature in individuals affected with WT1-related conditions. ClinVar contains an entry for this variant (Variation ID: 1055328). Invitae Evidence Modeling of protein sequence and biophysical properties (such as structural, functional, and spatial information, amino acid conservation, physicochemical variation, residue mobility, and thermodynamic stability) has been performed for this missense variant. However, the output from this modeling did not meet the statistical confidence thresholds required to predict the impact of this variant on WT1 protein function. In summary, the available evidence is currently insufficient to determine the role of this variant in disease. Therefore, it has been classified as a Variant of Uncertain Significance.

Ambry Genetics
Classification: Likely benign for Inborn genetic diseases. Last evaluated: 2025-09-05. Review status: criteria provided, single submitter. Criteria: Ambry Variant Classification Scheme 2023. Collection method: clinical testing. Allele origin: germline.

NM_024426.6(WT1):c.76G>C (p.Gly26Arg)

Genes: WT1 (WT1 transcription factor; minus strand), LOC107982234 (WT1/WT1-AS bi-directional promoter region; plus strand). Cytogenetic location: 11p13.
Variant type: single nucleotide variant.
Coding change: c.76G>C on transcript NM_024426.6 (MANE Select); coding-DNA position 76, G replaced by C.
Protein change: p.Gly26Arg; replaces glycine 26 with arginine.
Molecular consequence: missense variant. On other transcripts: non-coding transcript variant (1).
Genome position (GRCh38, 1-based): chr11:32,435,285, C>G on the plus strand (G>C on the coding strand, the complement: WT1 is on the minus strand). VCF-style: chr11-32435285-C-G. GRCh37 (hg19) VCF-style: chr11-32456831-C-G.
Other names: c.76G>C, p.Gly26Arg (NM_000378.6, NM_024424.5); c.61G>C (NM_024426.4); short protein forms G26R.
Identifiers: ClinVar variation 1055328 (VCV001055328.10), dbSNP rs1189241211, ClinGen allele CA379966437.